The following is an entry in ClinVar:

ClinVar aggregate classification (germline): Uncertain significance (1 of 4 stars; one submission).

Conditions:
Charcot-Marie-Tooth disease axonal type 2O. Also called: CHARCOT-MARIE-TOOTH NEUROPATHY, AXONAL, TYPE 2O; CHARCOT-MARIE-TOOTH DISEASE, AXONAL, AUTOSOMAL DOMINANT, TYPE 2O; Charcot-Marie-Tooth Neuropathy Type 2O; Charcot-Marie-Tooth disease, axonal, type 20. Identifiers: Orphanet 284232, MedGen C3280220, MONDO:0013644, OMIM 614228.

Submission:

Labcorp Genetics (formerly Invitae), Labcorp
Classification: Uncertain significance for Charcot-Marie-Tooth disease axonal type 2O. Last evaluated: 2023-07-31. Review status: criteria provided, single submitter. Criteria: Invitae Variant Classification Sherloc (09022015). Collection method: clinical testing. Allele origin: germline.
Comment: Advanced modeling of protein sequence and biophysical properties (such as structural, functional, and spatial information, amino acid conservation, physicochemical variation, residue mobility, and thermodynamic stability) performed at Invitae indicates that this missense variant is expected to disrupt DYNC1H1 protein function. In summary, the available evidence is currently insufficient to determine the role of this variant in disease. Therefore, it has been classified as a Variant of Uncertain Significance. This variant has not been reported in the literature in individuals affected with DYNC1H1-related conditions. This sequence change replaces alanine, which is neutral and non-polar, with glycine, which is neutral and non-polar, at codon 566 of the DYNC1H1 protein (p.Ala566Gly). This variant is not present in population databases (gnomAD no frequency).

NM_001376.5(DYNC1H1):c.1697C>G (p.Ala566Gly)

Gene: DYNC1H1 (dynein cytoplasmic 1 heavy chain 1; plus strand). Cytogenetic location: 14q32.31.
Variant type: single nucleotide variant.
Coding change: c.1697C>G on transcript NM_001376.5 (MANE Select); coding-DNA position 1697, C replaced by G.
Protein change: p.Ala566Gly; replaces alanine 566 with glycine.
Molecular consequence: missense variant.
Genome position (GRCh38, 1-based): chr14:101,985,922, C>G. VCF-style: chr14-101985922-C-G. GRCh37 (hg19) VCF-style: chr14-102452259-C-G.
Other names: short protein forms A566G.
Identifiers: ClinVar variation 2725601 (VCV002725601.3), dbSNP rs2503693591, ClinGen allele CA391019039.
Genomic context (GRCh38, chr14:101,985,922, plus strand): 5'-GGGAGGCTGCTATGAAGAGGTACGATGAGAGGATCGACAGAGTGGAGACCCGGATCACCG[C>G]TCGCCTTCGGGATCAGCTTGGCACAGCCAAGAATGCCAACGAGATGTTTAGGATTTTCTC-3'
Protein context (NP_001367.2, residues 556-576): RIDRVETRIT[Ala566Gly]RLRDQLGTAK